The following is an entry in ClinVar:

ClinVar aggregate classification (germline): Benign/Likely benign. Review status: criteria provided, multiple submitters, no conflicts (2 of 4 stars). 2 submissions from 2 submitters: Benign (1); Likely benign (1). Last evaluated 2026-01-28.

Conditions:
Neuropathy, hereditary sensory, type 1F. Also called: Hereditary sensory neuropathy type IF; HSN IF. Identifiers: Orphanet 36386, MedGen C3810194, MONDO:0014286, OMIM 615632.

Allele frequency attached by ClinVar (database versions not stated): gnomAD exomes 0.00077 and 0.00220; ExAC 0.00288; ESP Exome Variant Server 0.00837; gnomAD 0.00875 and 0.00933; TOPMed 0.00952; 1000 Genomes Project 0.01238; 1000 Genomes Project 30x 0.01405.
gnomAD v4.1: 2,485 of 1,601,958 alleles (0.16%); highest among the groups gnomAD compares: African/African-American, 3%; 28 homozygotes.

Submissions (3):

Labcorp Genetics (formerly Invitae), Labcorp
Classification: Benign for Neuropathy, hereditary sensory, type 1F. Last evaluated: 2026-01-28. Review status: criteria provided, single submitter. Criteria: Invitae Variant Classification Sherloc (09022015). Collection method: clinical testing. Allele origin: germline.

GeneDx
Classification: Likely benign. Last evaluated: 2022-01-22. Review status: criteria provided, single submitter. Criteria: GeneDx Variant Classification Process June 2021. Collection method: clinical testing. Allele origin: germline. Affected: yes.
Comment: See Variant Classification Assertion Criteria.

Dr. Peter K. Rogan Lab, Western University
No classification provided (evidence only). Condition: Acute myeloid leukemia. Review status: no classification provided. Collection method: in vitro. Allele origin: not applicable. Functional consequence: retained intron. Not counted in ClinVar's aggregate classification.

NM_015459.5(ATL3):c.511-11T>C

Genes: LNCROPM (lncRNA regulator of PLAAT3 mediated phospholipid metabolism; plus strand), ATL3 (atlastin GTPase 3; minus strand). Cytogenetic location: 11q13.1.
Variant type: single nucleotide variant.
Coding change: c.511-11T>C on transcript NM_015459.5 (MANE Select); 11 bases into the intron before coding-DNA position 511, T replaced by C.
Molecular consequence: intron variant.
Genome position (GRCh38, 1-based): chr11:63,651,997, A>G on the plus strand (T>C on the coding strand, the complement: ATL3 is on the minus strand). VCF-style: chr11-63651997-A-G. GRCh37 (hg19) VCF-style: chr11-63419469-A-G.
Other names: c.457-11T>C (NM_001290048.2).
Identifiers: ClinVar variation 1600242 (VCV001600242.11), dbSNP rs499942, ClinGen allele CA6063766.
Genomic context (GRCh38, chr11:63,651,997, plus strand): 5'-TGCAGCTGTTGAAGATCATCTTCTTGAATGTTCTGAGATAAATTATAAATCTAGAAAACA[A>G]AAATCCAGATTGATACTACTCTGGCTTACTTCAAACAAATCCCAAATAAGCCTAAAGGGC-3'